The following is an entry in ClinVar:

ClinVar aggregate classification (germline): Uncertain significance (1 of 4 stars; one submission).

Allele frequency attached by ClinVar (database versions not stated): gnomAD exomes below 0.00001; 1000 Genomes Project 0.00020; gnomAD 0.00001; 1000 Genomes Project 30x 0.00016.
gnomAD v4.1: 6 of 1,551,042 alleles (0.00039%); highest among the groups gnomAD compares: South Asian, 0.0012%; no homozygotes.

Submission:

Labcorp Genetics (formerly Invitae), Labcorp
Classification: Uncertain significance. Last evaluated: 2025-11-24. Review status: criteria provided, single submitter. Criteria: Invitae Variant Classification Sherloc (09022015). Collection method: clinical testing. Allele origin: germline.
Comment: This sequence change replaces arginine, which is basic and polar, with tryptophan, which is neutral and slightly polar, at codon 427 of the ZSWIM6 protein (p.Arg427Trp). This variant is not present in population databases (gnomAD no frequency). This variant has not been reported in the literature in individuals affected with ZSWIM6-related conditions. ClinVar contains an entry for this variant (Variation ID: 2777078). Invitae Evidence Modeling of protein sequence and biophysical properties (such as structural, functional, and spatial information, amino acid conservation, physicochemical variation, residue mobility, and thermodynamic stability) indicates that this missense variant is not expected to disrupt ZSWIM6 protein function with a negative predictive value of 80%. In summary, the available evidence is currently insufficient to determine the role of this variant in disease. Therefore, it has been classified as a Variant of Uncertain Significance.

NM_020928.2(ZSWIM6):c.1279C>T (p.Arg427Trp)

Gene: ZSWIM6 (zinc finger SWIM-type containing 6; plus strand). Cytogenetic location: 5q12.1.
Variant type: single nucleotide variant.
Coding change: c.1279C>T on transcript NM_020928.2 (MANE Select); coding-DNA position 1279, C replaced by T.
Protein change: p.Arg427Trp; replaces arginine 427 with tryptophan.
Molecular consequence: missense variant.
Genome position (GRCh38, 1-based): chr5:61,494,356, C>T. VCF-style: chr5-61494356-C-T. GRCh37 (hg19) VCF-style: chr5-60790183-C-T.
Other names: short protein forms R427W.
Identifiers: ClinVar variation 2777078 (VCV002777078.3), dbSNP rs576961780, ClinGen allele CA119659328.